The following is an entry in ClinVar:

NM_001040142.2(SCN2A):c.3130G>T (p.Asp1044Tyr)

Gene: SCN2A (sodium voltage-gated channel alpha subunit 2; plus strand). Cytogenetic location: 2q24.3.
Variant type: single nucleotide variant.
Coding change: c.3130G>T on transcript NM_001040142.2 (MANE Select); coding-DNA position 3130, G replaced by T.
Protein change: p.Asp1044Tyr; replaces aspartic acid 1044 with tyrosine.
Molecular consequence: missense variant.
Genome position (GRCh38, 1-based): chr2:165,354,402, G>T. VCF-style: chr2-165354402-G-T. GRCh37 (hg19) VCF-style: chr2-166210912-G-T.
Other names: c.3130G>T, p.Asp1044Tyr (NM_001040143.2, NM_001371246.1, NM_001371247.1 and 1 more transcripts); short protein forms D1044Y.
Identifiers: ClinVar variation 590172 (VCV000590172.11), dbSNP rs1197983141, ClinGen allele CA349020531.

ClinVar aggregate classification (germline): Uncertain significance. Review status: criteria provided, multiple submitters, no conflicts (2 of 4 stars). 3 submissions from 3 submitters: Uncertain significance (3). Last evaluated 2025-06-25.

Conditions:
Inborn genetic diseases. Identifiers: MedGen C0950123, MeSH D030342.
Seizures, benign familial infantile, 3 (BFIS3). Also called: CONVULSIONS, BENIGN FAMILIAL INFANTILE, 3; Familial neonatal seizures. Identifiers: Orphanet 140927, Orphanet 306, MedGen C1843140, MONDO:0011904, OMIM 607745.
Developmental and epileptic encephalopathy, 11 (DEE11). Also called: Early infantile epileptic encephalopathy 11. Identifiers: Orphanet 1934, MedGen C3150987, MONDO:0013388, OMIM 613721.

Allele frequency attached by ClinVar (database versions not stated): gnomAD exomes below 0.00001; TOPMed below 0.00001; gnomAD 0.00001.

Submissions (3):

GeneDx
Classification: Uncertain significance. Last evaluated: 2025-06-25. Review status: criteria provided, single submitter. Criteria: GeneDx Variant Classification Process June 2021. Collection method: clinical testing. Allele origin: germline. Affected: yes.
Comment: Not observed at significant frequency in large population cohorts (gnomAD); In silico analysis supports that this missense variant has a deleterious effect on protein structure/function; Has not been previously published as pathogenic or benign to our knowledge; This substitution is predicted to be in the cytoplasmic loop between the second and third homologous domains

Labcorp Genetics (formerly Invitae), Labcorp
Classification: Uncertain significance for Seizures, benign familial infantile, 3; Developmental and epileptic encephalopathy, 11. Last evaluated: 2024-05-15. Review status: criteria provided, single submitter. Criteria: Invitae Variant Classification Sherloc (09022015). Collection method: clinical testing. Allele origin: germline.
Comment: This sequence change replaces aspartic acid, which is acidic and polar, with tyrosine, which is neutral and polar, at codon 1044 of the SCN2A protein (p.Asp1044Tyr). This variant is present in population databases (no rsID available, gnomAD 0.007%). This variant has not been reported in the literature in individuals affected with SCN2A-related conditions. ClinVar contains an entry for this variant (Variation ID: 590172). Advanced modeling of protein sequence and biophysical properties (such as structural, functional, and spatial information, amino acid conservation, physicochemical variation, residue mobility, and thermodynamic stability) performed at Invitae indicates that this missense variant is expected to disrupt SCN2A protein function with a positive predictive value of 95%. In summary, the available evidence is currently insufficient to determine the role of this variant in disease. Therefore, it has been classified as a Variant of Uncertain Significance.

Ambry Genetics
Classification: Uncertain significance for Inborn genetic diseases. Last evaluated: 2017-05-31. Review status: criteria provided, single submitter. Criteria: Ambry Variant Classification Scheme 2023. Collection method: clinical testing. Allele origin: germline.
Comment: The p.D1044Y variant (also known as c.3130G>T), located in coding exon 16 of the SCN2A gene, results from a G to T substitution at nucleotide position 3130. The aspartic acid at codon 1044 is replaced by tyrosine, an amino acid with highly dissimilar properties. This amino acid position is not well conserved in available vertebrate species. In addition, the in silico prediction for this alteration is inconclusive. Since supporting evidence is limited at this time, the clinical significance of this alteration remains unclear.